The following is an entry in ClinVar:

NM_001220.5(CAMK2B):c.88C>T (p.Arg30Cys)

Gene: CAMK2B (calcium/calmodulin dependent protein kinase II beta; minus strand). Cytogenetic location: 7p13.
Variant type: single nucleotide variant.
Coding change: c.88C>T on transcript NM_001220.5 (MANE Select); coding-DNA position 88, C replaced by T.
Protein change: p.Arg30Cys; replaces arginine 30 with cysteine.
Molecular consequence: missense variant.
Genome position (GRCh38, 1-based): chr7:44,284,203, G>A on the plus strand (C>T on the coding strand, the complement: CAMK2B is on the minus strand). VCF-style: chr7-44284203-G-A. GRCh37 (hg19) VCF-style: chr7-44323802-G-A.
Other names: c.88C>T, p.Arg30Cys (NM_172083.3, NM_172084.3, NM_001293170.2 and 5 more transcripts); short protein forms R30C.
Identifiers: ClinVar variation 1708756 (VCV001708756.9), dbSNP rs774834635, ClinGen allele CA4240849.

ClinVar aggregate classification (germline): Uncertain significance. Review status: criteria provided, multiple submitters, no conflicts (2 of 4 stars). 3 submissions from 3 submitters: Uncertain significance (3). Last evaluated 2026-01-21.

Conditions:
Inborn genetic diseases. Identifiers: MedGen C0950123, MeSH D030342.

Allele frequency attached by ClinVar (database versions not stated): gnomAD exomes below 0.00001; ExAC 0.00001.
gnomAD v4.1: 2 of 1,613,366 alleles (0.00012%); highest among the groups gnomAD compares: Non-Finnish European, 0.00017%; no homozygotes.

Submissions (3):

Ambry Genetics
Classification: Uncertain significance for Inborn genetic diseases. Last evaluated: 2026-01-21. Review status: criteria provided, single submitter. Criteria: Ambry Variant Classification Scheme 2023. Collection method: clinical testing. Allele origin: germline.
Comment: The c.88C>T (p.R30C) alteration is located in exon 2 (coding exon 2) of the CAMK2B gene. This alteration results from a C to T substitution at nucleotide position 88, causing the arginine (R) at amino acid position 30 to be replaced by a cysteine (C). Based on data from gnomAD, the T allele has an overall frequency of <0.001% (1/249988) total alleles studied. The highest observed frequency was 0.001% (1/112996) of European (non-Finnish) alleles. Based on insufficient or conflicting evidence, the clinical significance of this alteration remains unclear.

GeneDx
Classification: Uncertain significance. Last evaluated: 2025-05-09. Review status: criteria provided, single submitter. Criteria: GeneDx Variant Classification Process June 2021. Collection method: clinical testing. Allele origin: germline. Affected: yes.
Comment: In silico analysis supports that this missense variant has a deleterious effect on protein structure/function; Has not been previously published as pathogenic or benign to our knowledge

Labcorp Genetics (formerly Invitae), Labcorp
Classification: Uncertain significance. Last evaluated: 2022-11-30. Review status: criteria provided, single submitter. Criteria: Invitae Variant Classification Sherloc (09022015). Collection method: clinical testing. Allele origin: germline.
Comment: In summary, the available evidence is currently insufficient to determine the role of this variant in disease. Therefore, it has been classified as a Variant of Uncertain Significance. Algorithms developed to predict the effect of missense changes on protein structure and function (SIFT, PolyPhen-2, Align-GVGD) all suggest that this variant is likely to be disruptive. ClinVar contains an entry for this variant (Variation ID: 1708756). This variant has not been reported in the literature in individuals affected with CAMK2B-related conditions. This variant is present in population databases (rs774834635, gnomAD 0.0009%). This sequence change replaces arginine, which is basic and polar, with cysteine, which is neutral and slightly polar, at codon 30 of the CAMK2B protein (p.Arg30Cys).